The following is an entry in ClinVar:

NM_004960.4(FUS):c.1562G>T (p.Arg521Leu)

Gene: FUS (FUS RNA binding protein; plus strand). Cytogenetic location: 16p11.2.
Variant type: single nucleotide variant.
Coding change: c.1562G>T on transcript NM_004960.4 (MANE Select); coding-DNA position 1562, G replaced by T.
Protein change: p.Arg521Leu; replaces arginine 521 with leucine.
Molecular consequence: missense variant. On other transcripts: non-coding transcript variant (1).
Genome position (GRCh38, 1-based): chr16:31,191,419, G>T. VCF-style: chr16-31191419-G-T. GRCh37 (hg19) VCF-style: chr16-31202740-G-T.
Other names: c.1559G>T, p.Arg520Leu (NM_001170634.1); c.1550G>T, p.Arg517Leu (NM_001170937.1); short protein forms R517L, R521L, R520L.
Identifiers: ClinVar variation 873232 (VCV000873232.9), dbSNP rs121909671, ClinGen allele CA395677457.

ClinVar aggregate classification (germline): Pathogenic/Likely pathogenic. Review status: criteria provided, multiple submitters, no conflicts (2 of 4 stars). 3 submissions from 3 submitters: Pathogenic (2); Likely pathogenic (1). Last evaluated 2022-09-21.

Conditions:
Amyotrophic lateral sclerosis type 6. Also called: AMYOTROPHIC LATERAL SCLEROSIS 6 WITHOUT FRONTOTEMPORAL DEMENTIA; FUS-Related Amyotrophic Laterial Sclerosis; Amyotrophic lateral sclerosis 6, with or without frontotemporal dementia. Identifiers: Orphanet 275872, Orphanet 803, MedGen C2931786, MONDO:0011951, OMIM 608030.
Tremor, hereditary essential, 4 (ETM4). Identifiers: MedGen C3539195, MONDO:0013888, OMIM 614782.

Submissions (3):

Labcorp Genetics (formerly Invitae), Labcorp
Classification: Pathogenic for Tremor, hereditary essential, 4; Amyotrophic lateral sclerosis type 6. Last evaluated: 2022-09-21. Review status: criteria provided, single submitter. Criteria: Invitae Variant Classification Sherloc (09022015). Collection method: clinical testing. Allele origin: germline.
Comment: This sequence change replaces arginine, which is basic and polar, with leucine, which is neutral and non-polar, at codon 521 of the FUS protein (p.Arg521Leu). This variant is not present in population databases (gnomAD no frequency). This missense change has been observed in individuals with amyotrophic lateral sclerosis (PMID: 20577002, 20668259, 22340366, 26500017, 28430856). It has also been observed to segregate with disease in related individuals. ClinVar contains an entry for this variant (Variation ID: 873232). Algorithms developed to predict the effect of missense changes on protein structure and function are either unavailable or do not agree on the potential impact of this missense change (SIFT: "Deleterious"; PolyPhen-2: "Possibly Damaging"; Align-GVGD: "Class C15"). This variant disrupts the p.Arg521 amino acid residue in FUS. Other variant(s) that disrupt this residue have been determined to be pathogenic (PMID: 20577002, 20668259, 22340366, 26500017, 28430856). This suggests that this residue is clinically significant, and that variants that disrupt this residue are likely to be disease-causing. For these reasons, this variant has been classified as Pathogenic.

Suna and Inan Kirac Foundation Neurodegeneration Research Laboratory, Koc University
Classification: Likely pathogenic for Amyotrophic lateral sclerosis type 6. Last evaluated: 2020-03-31. Review status: criteria provided, single submitter. Criteria: ACMG Guidelines, 2015. Collection method: research. Allele origin: germline. Affected: yes. Observed: 1 variant allele.

Neuberg Centre For Genomic Medicine, NCGM
Classification: Pathogenic for Amyotrophic lateral sclerosis type 6. Review status: criteria provided, single submitter. Criteria: ACMG Guidelines, 2015. Collection method: clinical testing. Allele origin: germline. Inheritance: Autosomal dominant inheritance. Affected: yes.
Comment: The missense variant c.1562G>T (p.Arg521Leu) in FUS gene has been reported in literatures with Amyotrophic lateral sclerosis(Swetha RG et.al.,2017). Experimental studies have shown that this variant affects FUS function (Armstrong GA et.al.,2013).This variant has been reported to the ClinVar database as Pathogenic/Likely Pathogenic. The p.Arg521Leu variant is novel (not in any individuals) in gnomAD Exomes and 1000 Genomes. The amino acid Arg at position 521 is changed to a Leu changing protein sequence and it might alter its composition and physico-chemical properties. For these reasons, this variant has been classified as Pathogenic.

Literature cited by the submitters: PubMed 20577002 (cited by Labcorp Genetics (formerly Invitae), Labcorp); PubMed 20668259 (cited by Labcorp Genetics (formerly Invitae), Labcorp); PubMed 22340366 (cited by Labcorp Genetics (formerly Invitae), Labcorp); PubMed 26500017 (cited by Labcorp Genetics (formerly Invitae), Labcorp); PubMed 28430856 (cited by Labcorp Genetics (formerly Invitae), Labcorp).